The following is an entry in ClinVar:

NM_000369.5(TSHR):c.1572C>G (p.Thr524=)

Genes: TSHR (thyroid stimulating hormone receptor; plus strand), TSHR-AS1 (TSHR antisense RNA 1; minus strand). Cytogenetic location: 14q31.1.
Variant type: single nucleotide variant.
Coding change: c.1572C>G on transcript NM_000369.5 (MANE Select); coding-DNA position 1572, C replaced by G.
Protein change: p.Thr524=; no amino-acid change (threonine 524 retained).
Molecular consequence: synonymous variant.
Genome position (GRCh38, 1-based): chr14:81,143,630, C>G. VCF-style: chr14-81143630-C-G. GRCh37 (hg19) VCF-style: chr14-81609974-C-G.
Identifiers: ClinVar variation 705668 (VCV000705668.8), dbSNP rs144170635, ClinGen allele CA7294487.
Genomic context (GRCh38, chr14:81,143,630, plus strand): 5'-AAGCGAGTTATCGGTGTATACGCTGACGGTCATCACCCTGGAGCGCTGGTATGCCATCAC[C>G]TTCGCCATGCGCCTGGACCGGAAGATCCGCCTCAGGCACGCATGTGCCATCATGGTTGGG-3'
Protein context (NP_000360.2, residues 514-534): VITLERWYAI[Thr524=]FAMRLDRKIR

ClinVar aggregate classification (germline): Benign. Review status: criteria provided, single submitter (1 of 4 stars). 2 submissions from 2 submitters: Benign (1). 1 of the submissions does not count toward it. Last evaluated 2024-03-20.

Conditions:
TSHR-related disorder. Also called: TSHR-related disorders; TSHR-related condition.

Allele frequency attached by ClinVar (database versions not stated): gnomAD exomes 0.00011 and 0.00029; ExAC 0.00039; 1000 Genomes Project 0.00040; 1000 Genomes Project 30x 0.00078; gnomAD 0.00104 and 0.00113; TOPMed 0.00136; ESP Exome Variant Server 0.00154.

Submissions (2):

Labcorp Genetics (formerly Invitae), Labcorp
Classification: Benign. Last evaluated: 2024-03-20. Review status: criteria provided, single submitter. Criteria: Invitae Variant Classification Sherloc (09022015). Collection method: clinical testing. Allele origin: germline.

PreventionGenetics, part of Exact Sciences
Classification: Likely benign for TSHR-related condition. Last evaluated: 2024-04-29. Review status: no assertion criteria provided. Collection method: clinical testing. Allele origin: germline. Not counted in ClinVar's aggregate classification.
Comment: This variant is classified as likely benign based on ACMG/AMP sequence variant interpretation guidelines (Richards et al. 2015 PMID: 25741868, with internal and published modifications).